The following is an entry in ClinVar:

ClinVar aggregate classification (germline): Uncertain significance. Review status: criteria provided, multiple submitters, no conflicts (2 of 4 stars). 2 submissions from 2 submitters: Uncertain significance (2). Last evaluated 2025-03-06.

Conditions:
Inborn genetic diseases. Identifiers: MedGen C0950123, MeSH D030342.

gnomAD v4.1: 3 of 1,614,046 alleles (0.00019%); highest among the groups gnomAD compares: East Asian, 0.0022%; no homozygotes.

Submissions (2):

Labcorp Genetics (formerly Invitae), Labcorp
Classification: Uncertain significance. Last evaluated: 2025-03-06. Review status: criteria provided, single submitter. Criteria: Invitae Variant Classification Sherloc (09022015). Collection method: clinical testing. Allele origin: germline.
Comment: This sequence change replaces arginine, which is basic and polar, with histidine, which is basic and polar, at codon 161 of the ARCN1 protein (p.Arg161His). This variant is not present in population databases (gnomAD no frequency). This variant has not been reported in the literature in individuals affected with ARCN1-related conditions. ClinVar contains an entry for this variant (Variation ID: 3309892). An algorithm developed to predict the effect of missense changes on protein structure and function (PolyPhen-2) suggests that this variant is likely to be tolerated. In summary, the available evidence is currently insufficient to determine the role of this variant in disease. Therefore, it has been classified as a Variant of Uncertain Significance.

Ambry Genetics
Classification: Uncertain significance for Inborn genetic diseases. Last evaluated: 2024-05-15. Review status: criteria provided, single submitter. Criteria: Ambry Variant Classification Scheme 2023. Collection method: clinical testing. Allele origin: germline.

NM_001655.5(ARCN1):c.482G>A (p.Arg161His)

Gene: ARCN1 (archain 1 coat protein complex I subunit delta; plus strand). Cytogenetic location: 11q23.3.
Variant type: single nucleotide variant.
Coding change: c.482G>A on transcript NM_001655.5 (MANE Select); coding-DNA position 482, G replaced by A.
Protein change: p.Arg161His; replaces arginine 161 with histidine.
Molecular consequence: missense variant.
Genome position (GRCh38, 1-based): chr11:118,583,843, G>A. VCF-style: chr11-118583843-G-A. GRCh37 (hg19) VCF-style: chr11-118454558-G-A.
Other names: c.218G>A, p.Arg73His (NM_001142281.2); short protein forms R73H, R161H.
Identifiers: ClinVar variation 3309892 (VCV003309892.2).